The following is an entry in ClinVar:

ClinVar aggregate classification (germline): Uncertain significance (1 of 4 stars; one submission).

Allele frequency attached by ClinVar (database versions not stated): gnomAD 0.00001; gnomAD exomes 0.00001; TOPMed 0.00001; ExAC 0.00005.
gnomAD v4.1: 16 of 1,312,590 alleles (0.0012%); highest among the groups gnomAD compares: Non-Finnish European, 0.0015%; no homozygotes.

Submission:

Labcorp Genetics (formerly Invitae), Labcorp
Classification: Uncertain significance. Last evaluated: 2023-12-09. Review status: criteria provided, single submitter. Criteria: Invitae Variant Classification Sherloc (09022015). Collection method: clinical testing. Allele origin: germline.
Comment: This sequence change replaces arginine, which is basic and polar, with histidine, which is basic and polar, at codon 377 of the PRPF31 protein (p.Arg377His). The frequency data for this variant in the population databases is considered unreliable, as metrics indicate poor data quality at this position in the gnomAD database. This variant has not been reported in the literature in individuals affected with PRPF31-related conditions. An algorithm developed to predict the effect of missense changes on protein structure and function (PolyPhen-2) suggests that this variant is likely to be disruptive. In summary, the available evidence is currently insufficient to determine the role of this variant in disease. Therefore, it has been classified as a Variant of Uncertain Significance.

NM_015629.4(PRPF31):c.1130G>A (p.Arg377His)

Gene: PRPF31 (pre-mRNA processing factor 31; plus strand). Cytogenetic location: 19q13.42.
Variant type: single nucleotide variant.
Coding change: c.1130G>A on transcript NM_015629.4 (MANE Select); coding-DNA position 1130, G replaced by A.
Protein change: p.Arg377His; replaces arginine 377 with histidine.
Molecular consequence: missense variant.
Genome position (GRCh38, 1-based): chr19:54,128,361, G>A. VCF-style: chr19-54128361-G-A. GRCh37 (hg19) VCF-style: chr19-54631736-G-A.
Other names: short protein forms R377H.
Identifiers: ClinVar variation 3010360 (VCV003010360.3), dbSNP rs756479054, ClinGen allele CA309329600.